The following is an entry in ClinVar:

ClinVar aggregate classification (germline): Conflicting classifications of pathogenicity. Review status: criteria provided, conflicting classifications (1 of 4 stars). 4 submissions from 4 submitters: Uncertain significance (1); Likely benign (2). 1 of the submissions does not count toward it. Last evaluated 2026-02-01.

Conditions:
KMT2D-related disorder. Also called: KMT2D-Related Disorders.
Kabuki syndrome. Also called: Kabuki make-up syndrome; NIIKAWA-KUROKI SYNDROME. Identifiers: Orphanet 2322, MedGen C0796004, MONDO:0016512.

Allele frequency attached by ClinVar (database versions not stated): ExAC 0.00002; gnomAD exomes 0.00003 and 0.00006; TOPMed 0.00003; gnomAD 0.00004.
gnomAD v4.1: 101 of 1,613,316 alleles (0.0063%); highest among the groups gnomAD compares: Middle Eastern, 0.033%; no homozygotes.

Submissions (4):

CeGaT Center for Human Genetics Tuebingen
Classification: Likely benign. Last evaluated: 2026-02-01. Review status: criteria provided, single submitter. Criteria: CeGaT Center For Human Genetics Tuebingen Variant Classification Criteria Version 2. Collection method: clinical testing. Allele origin: germline. Affected: yes. Observed: 1 variant allele.
Comment: KMT2D: BS2

Labcorp Genetics (formerly Invitae), Labcorp
Classification: Likely benign for Kabuki syndrome. Last evaluated: 2025-10-04. Review status: criteria provided, single submitter. Criteria: Invitae Variant Classification Sherloc (09022015). Collection method: clinical testing. Allele origin: germline.

Women's Health and Genetics/Laboratory Corporation of America, LabCorp
Classification: Uncertain significance. Last evaluated: 2025-07-02. Review status: criteria provided, single submitter. Criteria: LabCorp Variant Classification Summary - May 2015. Collection method: clinical testing. Allele origin: germline.
Comment: Variant summary: KMT2D c.11128G>A (p.Gly3710Arg) results in a non-conservative amino acid change in the encoded protein sequence. Algorithms developed to predict the effect of missense changes on protein structure and function are either unavailable or do not agree on the potential impact of this missense change. The variant allele was found at a frequency of 3.2e-05 in 248476 control chromosomes. The available data on variant occurrences in the general population are insufficient to allow any conclusion about variant significance. To our knowledge, no occurrence of c.11128G>A in individuals affected with Kabuki Syndrome 1 and no experimental evidence demonstrating its impact on protein function have been reported. ClinVar contains an entry for this variant (Variation ID: 1140287). Based on the evidence outlined above, the variant was classified as uncertain significance.

PreventionGenetics, part of Exact Sciences
Classification: Likely benign for KMT2D-related condition. Last evaluated: 2023-08-03. Review status: no assertion criteria provided. Collection method: clinical testing. Allele origin: germline. Not counted in ClinVar's aggregate classification.
Comment: This variant is classified as likely benign based on ACMG/AMP sequence variant interpretation guidelines (Richards et al. 2015 PMID: 25741868, with internal and published modifications).

NM_003482.4(KMT2D):c.11128G>A (p.Gly3710Arg)

Gene: KMT2D (lysine methyltransferase 2D; minus strand). Cytogenetic location: 12q13.12.
Variant type: single nucleotide variant.
Coding change: c.11128G>A on transcript NM_003482.4 (MANE Select); coding-DNA position 11128, G replaced by A.
Protein change: p.Gly3710Arg; replaces glycine 3710 with arginine.
Molecular consequence: missense variant.
Genome position (GRCh38, 1-based): chr12:49,033,577, C>T on the plus strand (G>A on the coding strand, the complement: KMT2D is on the minus strand). VCF-style: chr12-49033577-C-T. GRCh37 (hg19) VCF-style: chr12-49427360-C-T.
Other names: c.11128G>A (NM_003482.3); short protein forms G3710R.
Identifiers: ClinVar variation 1140287 (VCV001140287.17), dbSNP rs757243984, ClinGen allele CA6546361.